The following is an entry in ClinVar:

NM_001370658.1(BTD):c.1268T>A (p.Phe423Tyr)

Gene: BTD (biotinidase; plus strand). Cytogenetic location: 3p25.1.
Variant type: single nucleotide variant.
Coding change: c.1268T>A on transcript NM_001370658.1 (MANE Select); coding-DNA position 1268, T replaced by A.
Protein change: p.Phe423Tyr; replaces phenylalanine 423 with tyrosine.
Molecular consequence: missense variant. On other transcripts: intron variant (2).
Genome position (GRCh38, 1-based): chr3:15,645,184, T>A. VCF-style: chr3-15645184-T-A. GRCh37 (hg19) VCF-style: chr3-15686691-T-A.
Other names: c.1268T>A, p.Phe423Tyr (NM_001407378.1, NM_001407374.1, NM_001407375.1 and 16 more transcripts); c.1015+253T>A (NM_001370752.1); c.399+3127T>A (NM_001370753.1); c.1328T>A, p.Phe443Tyr (NM_000060.4); short protein forms F443Y, F423Y.
Identifiers: ClinVar variation 2159581 (VCV002159581.4), dbSNP rs1559600573, ClinGen allele CA351608556.

ClinVar aggregate classification (germline): Uncertain significance (1 of 4 stars; one submission).

Conditions:
Biotinidase deficiency. Also called: BTD deficiency; Late-onset biotin-responsive multiple carboxylase deficiency; Biotin deficiency. Identifiers: Orphanet 79241, MedGen C0220754, MONDO:0009665, OMIM 253260.

Submission:

Labcorp Genetics (formerly Invitae), Labcorp
Classification: Uncertain significance for Biotinidase deficiency. Last evaluated: 2025-02-06. Review status: criteria provided, single submitter. Criteria: Invitae Variant Classification Sherloc (09022015). Collection method: clinical testing. Allele origin: germline.
Comment: This sequence change replaces phenylalanine, which is neutral and non-polar, with tyrosine, which is neutral and polar, at codon 443 of the BTD protein (p.Phe443Tyr). This variant is not present in population databases (gnomAD no frequency). This variant has not been reported in the literature in individuals affected with BTD-related conditions. ClinVar contains an entry for this variant (Variation ID: 2159581). Invitae Evidence Modeling of protein sequence and biophysical properties (such as structural, functional, and spatial information, amino acid conservation, physicochemical variation, residue mobility, and thermodynamic stability) indicates that this missense variant is expected to disrupt BTD protein function with a positive predictive value of 95%. In summary, the available evidence is currently insufficient to determine the role of this variant in disease. Therefore, it has been classified as a Variant of Uncertain Significance.